The following is an entry in ClinVar:

NM_021930.6(RINT1):c.1118C>G (p.Ser373Cys)

Gene: RINT1 (RAD50 interactor 1; plus strand). Cytogenetic location: 7q22.3.
Variant type: single nucleotide variant.
Coding change: c.1118C>G on transcript NM_021930.6 (MANE Select); coding-DNA position 1118, C replaced by G.
Protein change: p.Ser373Cys; replaces serine 373 with cysteine.
Molecular consequence: missense variant. On other transcripts: non-coding transcript variant (1).
Genome position (GRCh38, 1-based): chr7:105,550,271, C>G. VCF-style: chr7-105550271-C-G. GRCh37 (hg19) VCF-style: chr7-105190718-C-G.
Other names: c.884C>G, p.Ser295Cys (NM_001346599.2); c.95C>G, p.Ser32Cys (NM_001346600.2, NM_001346603.2); c.194C>G, p.Ser65Cys (NM_001346601.2); short protein forms S32C, S373C, S295C, S65C.
Identifiers: ClinVar variation 4578230 (VCV004578230.1).

ClinVar aggregate classification (germline): Uncertain significance (1 of 4 stars; one submission).

Submission:

Ambry Genetics
Classification: Uncertain significance. Last evaluated: 2025-11-30. Review status: criteria provided, single submitter. Criteria: Ambry Variant Classification Scheme 2023. Collection method: clinical testing. Allele origin: germline.
Comment: The p.S373C variant (also known as c.1118C>G), located in coding exon 9 of the RINT1 gene, results from a C to G substitution at nucleotide position 1118. The serine at codon 373 is replaced by cysteine, an amino acid with dissimilar properties. This amino acid position is conserved. In addition, this alteration is predicted to be tolerated by in silico analysis. Based on the available evidence, the clinical significance of this variant remains unclear.